The following is an entry in ClinVar:

ClinVar aggregate classification (germline): Uncertain significance (1 of 4 stars; one submission).

Conditions:
Early-infantile DEE. Also called: Early infantile epileptic encephalopathy with suppression bursts; Early infantile epileptic encephalopathy; Ohtahara syndrome. Identifiers: Orphanet 1934, MedGen C0393706, MONDO:0800491.

Allele frequency attached by ClinVar (database versions not stated): gnomAD 0.00001; TOPMed 0.00001; ExAC 0.00001.
gnomAD v4.1: 2 of 1,613,816 alleles (0.00012%); highest among the groups gnomAD compares: African/African-American, 0.0027%; no homozygotes.

Submission:

Labcorp Genetics (formerly Invitae), Labcorp
Classification: Uncertain significance for Early-infantile DEE. Last evaluated: 2024-06-07. Review status: criteria provided, single submitter. Criteria: Invitae Variant Classification Sherloc (09022015). Collection method: clinical testing. Allele origin: germline.
Comment: This sequence change replaces glycine, which is neutral and non-polar, with arginine, which is basic and polar, at codon 1908 of the SCN8A protein (p.Gly1908Arg). This variant is present in population databases (rs752848031, gnomAD 0.007%). This variant has not been reported in the literature in individuals affected with SCN8A-related conditions. Advanced modeling of protein sequence and biophysical properties (such as structural, functional, and spatial information, amino acid conservation, physicochemical variation, residue mobility, and thermodynamic stability) performed at Invitae indicates that this missense variant is not expected to disrupt SCN8A protein function with a negative predictive value of 95%. In summary, the available evidence is currently insufficient to determine the role of this variant in disease. Therefore, it has been classified as a Variant of Uncertain Significance.

NM_001330260.2(SCN8A):c.5722G>A (p.Gly1908Arg)

Gene: SCN8A (sodium voltage-gated channel alpha subunit 8; plus strand). Cytogenetic location: 12q13.13.
Variant type: single nucleotide variant.
Coding change: c.5722G>A on transcript NM_001330260.2 (MANE Select); coding-DNA position 5722, G replaced by A.
Protein change: p.Gly1908Arg; replaces glycine 1908 with arginine.
Molecular consequence: missense variant.
Genome position (GRCh38, 1-based): chr12:51,807,208, G>A. VCF-style: chr12-51807208-G-A. GRCh37 (hg19) VCF-style: chr12-52200992-G-A.
Other names: c.5599G>A, p.Gly1867Arg (NM_001177984.3, NM_001369788.1); c.5722G>A, p.Gly1908Arg (NM_014191.4); short protein forms G1867R, G1908R.
Identifiers: ClinVar variation 2961616 (VCV002961616.3), dbSNP rs752848031, ClinGen allele CA6571945.